The following continues an entry in ClinVar:

NM_000138.5(FBN1):c.5518C>T (p.Arg1840Cys)

Gene: FBN1. ClinVar aggregate classification (germline): Likely pathogenic. Likely pathogenic (1).

Submissions 9 to 13 of 13:

NHS Central & South Genomic Laboratory Hub
Classification: Likely pathogenic for Thoracic aortic aneurysm or dissection. Last evaluated: 2024-11-11. Review status: criteria provided, single submitter. Criteria: ACMG Guidelines, 2015. Collection method: clinical testing. Allele origin: germline. Affected: yes. Not counted in ClinVar's aggregate classification.

All of Us Research Program, National Institutes of Health
Classification: Likely pathogenic for Marfan syndrome. Last evaluated: 2024-09-13. Review status: criteria provided, single submitter. Criteria: ACMG Guidelines, 2015. Collection method: clinical testing. Allele origin: germline. Inheritance: Autosomal dominant inheritance. Observed: 2 variant alleles, 2 heterozygotes. Not counted in ClinVar's aggregate classification.
Comment: This missense variant replaces arginine with cysteine at codon 1840 in a calcium-binding EGF-like domain of the FBN1 protein. Cysteine-creating variants in cbEGF-like domains have been shown to affect protein stability and are overrepresented among patients with Marfan syndrome (PMID: 15161917, 16571647, 17701892). Computational prediction also suggests that this variant may have deleterious impact on protein structure and function. This variant has been reported in an individual affected with Marfan syndrome (PMID: 31149040) and in two unrelated individuals suspected of having Marfan syndrome (PMID: 25652356, 29357934). This variant has been identified in 4/282656 chromosomes in the general population by the Genome Aggregation Database (gnomAD). Based on the available evidence, this variant is classified as Likely Pathogenic.

This study involves interpretation of variants in research participants for the purpose of population health screening. Participant phenotype was not available at the time of variant classification. Additional details can be found in publication PMID: 35346344, PMCID: PMC8962531

Color Diagnostics, LLC DBA Color Health
Classification: Likely pathogenic for Familial thoracic aortic aneurysm and aortic dissection. Last evaluated: 2024-07-22. Review status: criteria provided, single submitter. Criteria: ACMG Guidelines, 2015. Collection method: clinical testing. Allele origin: germline. Not counted in ClinVar's aggregate classification.
Comment: This missense variant replaces arginine with cysteine at codon 1840 in a calcium-binding EGF-like domain of the FBN1 protein. Cysteine-creating variants in cbEGF-like domains have been shown to affect protein stability and are overrepresented among patients with Marfan syndrome (PMID: 15161917, 16571647, 17701892). Computational prediction also suggests that this variant may have deleterious impact on protein structure and function. This variant has been reported in an individual affected with Marfan syndrome (PMID: 31149040) and in two unrelated individuals suspected of having Marfan syndrome (PMID: 25652356, 29357934). This variant has been identified in 4/282656 chromosomes in the general population by the Genome Aggregation Database (gnomAD). Based on the available evidence, this variant is classified as Likely Pathogenic.

Women's Health and Genetics/Laboratory Corporation of America, LabCorp
Classification: Uncertain significance. Last evaluated: 2024-06-26. Review status: criteria provided, single submitter. Criteria: LabCorp Variant Classification Summary - May 2015. Collection method: clinical testing. Allele origin: germline. Not counted in ClinVar's aggregate classification.
Comment: Variant summary: FBN1 c.5518C>T (p.Arg1840Cys) results in a non-conservative amino acid change in the encoded protein sequence. Five of five in-silico tools predict a damaging effect of the variant on protein function. The variant allele was found at a frequency of 8e-06 in 251262 control chromosomes (gnomAD). c.5518C>T has been reported in the literature in individuals affected with features of Marfan Syndrome (Baudhin_2015, Becerra-Munoz_2018). These data indicate that the variant may be associated with disease. To our knowledge, no experimental evidence demonstrating an impact on protein function has been reported. The following publications have been ascertained in the context of this evaluation (PMID: 25652356, 29357934). ClinVar contains an entry for this variant (Variation ID: 519783). Based on the evidence outlined above, the variant was classified as VUS-possibly pathogenic.

ARUP Laboratories, Molecular Genetics and Genomics, ARUP Laboratories
Classification: Likely pathogenic. Last evaluated: 2024-03-11. Review status: criteria provided, single submitter. Criteria: ARUP Molecular Germline Variant Investigation Process 2024. Collection method: clinical testing. Allele origin: germline. Not counted in ClinVar's aggregate classification.
Comment: The FBN1 c.5518C>T; p.Arg1840Cys variant (rs1161109360) is reported in the literature in one individual who was suspected of Marfan syndrome and one individual with spontaneous coronary artery dissection (Baudhuin 2015, Becerra-Munoz 2018). This variant is also reported in ClinVar (Variation ID: 519783). This variant is only observed on four alleles in the Genome Aggregation Database (v2.1.1), indicating it is not a common polymorphism. This variant creates a cysteine residue in one of the calcium binding EGF-like domains of fibrillin-1 (Wu 1995). Each EGF-like domain contains six highly-conserved cysteines and the disulfide bridges formed between these residues are essential for protein folding; creation of a novel cysteine may interfere with proper disulfide bridge formation, disrupting protein structure. Accordingly, the revised Ghent nosology for Marfan syndrome lists creation of a cysteine residue as one of the criteria for classification of a variant as pathogenic (Loeys 2010). Computational analyses predict that this variant is deleterious (REVEL: 0.78). Based on available information, this variant is considered to be likely pathogenic. References: Baudhuin LM et al. Decreased frequency of FBN1 missense variants in Ghent criteria-positive Marfan syndrome and characterization of novel FBN1 variants. J Hum Genet. 2015 May;60(5):241-52. PMID: 25652356. Becerra-MuÃ±oz VM et al. The importance of genotype-phenotype correlation in the clinical management of Marfan syndrome. Orphanet J Rare Dis. 2018 Jan 22;13(1):16. PMID: 29357934. Loeys BL et al. The revised Ghent nosology for the Marfan syndrome. J Med Genet. 2010 Jul;47(7):476-85. PMID: 20591885. Wu YS et al. Fibrillin domain folding and calcium binding: significance to Marfan syndrome. Chem Biol. 1995 Feb;2(2):91-7. PMID: 9383409.

Literature cited by the submitters: PubMed 25652356 (cited by 8 submitters); PubMed 29357934 (cited by 8 submitters); PubMed 31149040 (cited by 7 submitters); PubMed 37042257 (cited by 4 submitters); PubMed 20301510 (cited by Victorian Clinical Genetics Services, Murdoch Childrens Research Institute); PubMed 27274304 (cited by Victorian Clinical Genetics Services, Murdoch Childrens Research Institute); PubMed 15161917 (cited by 3 submitters); PubMed 16571647 (cited by All of Us Research Program, National Institutes of Health and Color Diagnostics, LLC DBA Color Health); PubMed 17701892 (cited by All of Us Research Program, National Institutes of Health and Color Diagnostics, LLC DBA Color Health).